The following is an entry in ClinVar:

NM_001130009.3(GEN1):c.1411A>G (p.Ile471Val)

Gene: GEN1 (GEN1 Holliday junction 5' flap endonuclease; plus strand). Cytogenetic location: 2p24.2.
Variant type: single nucleotide variant.
Coding change: c.1411A>G on transcript NM_001130009.3 (MANE Select); coding-DNA position 1411, A replaced by G.
Protein change: p.Ile471Val; replaces isoleucine 471 with valine.
Molecular consequence: missense variant.
Genome position (GRCh38, 1-based): chr2:17,780,623, A>G. VCF-style: chr2-17780623-A-G. GRCh37 (hg19) VCF-style: chr2-17961890-A-G.
Other names: c.1411A>G, p.Ile471Val (NM_182625.5); short protein forms I471V.
Identifiers: ClinVar variation 3853503 (VCV003853503.1).

ClinVar aggregate classification (germline): Uncertain significance (1 of 4 stars; one submission).

gnomAD v4.1: 2 of 1,556,884 alleles (0.00013%); highest among the groups gnomAD compares: Non-Finnish European, 0.000087%; no homozygotes.

Submission:

Ambry Genetics
Classification: Uncertain significance. Last evaluated: 2025-01-13. Review status: criteria provided, single submitter. Criteria: Ambry Variant Classification Scheme 2023. Collection method: clinical testing. Allele origin: germline.
Comment: The p.I471V variant (also known as c.1411A>G), located in coding exon 13 of the GEN1 gene, results from an A to G substitution at nucleotide position 1411. The isoleucine at codon 471 is replaced by valine, an amino acid with highly similar properties. This amino acid position is conserved. In addition, this alteration is predicted to be tolerated by in silico analysis. Based on the available evidence, the clinical significance of this variant remains unclear.